The following is an entry in ClinVar:

NM_000264.5(PTCH1):c.3306+2T>G

Gene: PTCH1 (patched 1; minus strand). Cytogenetic location: 9q22.32.
Variant type: single nucleotide variant.
Coding change: c.3306+2T>G on transcript NM_000264.5 (MANE Select); the canonical splice donor site of the intron after coding-DNA position 3306, T replaced by G.
Molecular consequence: splice donor variant.
Genome position (GRCh38, 1-based): chr9:95,456,274, A>C on the plus strand (T>G on the coding strand, the complement: PTCH1 is on the minus strand). VCF-style: chr9-95456274-A-C. GRCh37 (hg19) VCF-style: chr9-98218556-A-C.
Other names: c.3306+2T>G (NM_000264.3); c.3303+2T>G (NM_001083603.3); c.3108+2T>G (NM_001083602.3); c.3150+2T>G (NM_001354918.2); c.2853+2T>G (NM_001083605.3, NM_001083604.3, NM_001083606.3 and 1 more transcripts).
Identifiers: ClinVar variation 4903738 (VCV004903738.2).

ClinVar aggregate classification (germline): Likely pathogenic. Review status: criteria provided, multiple submitters, no conflicts (2 of 4 stars). 2 submissions from 2 submitters: Likely pathogenic (2). Last evaluated 2024-10-19.

Conditions:
PTCH1-related disorder. Also called: PTCH1-related disorders; PTCH1-related condition.

Submissions (2):

PreventionGenetics, part of Exact Sciences
Classification: Likely pathogenic for PTCH1-related condition. Last evaluated: 2024-10-19. Review status: criteria provided, single submitter. Criteria: ACMG Guidelines, 2015. Collection method: clinical testing. Allele origin: germline.
Comment: The PTCH1 c.3306+2T>G variant is predicted to disrupt the GT donor site and interfere with normal splicing. To our knowledge, this variant has not been reported in the literature or in a large population database (gnomAD), indicating this variant is rare. Variants that disrupt the consensus splice donor site in PTCH1 are expected to be pathogenic. This variant is interpreted as likely pathogenic.

Blueprint Genetics
Classification: Likely pathogenic for PTCH1-related disorders. Last evaluated: 2022-05-24. Review status: criteria provided, single submitter. Criteria: ACMG Guidelines, 2015. Collection method: clinical testing. Allele origin: germline. Affected: yes. Observed: 1 variant allele.